The following is an entry in ClinVar:

ClinVar aggregate classification (germline): Uncertain significance (1 of 4 stars; one submission).

Allele frequency attached by ClinVar (database versions not stated): gnomAD exomes below 0.00001; gnomAD 0.00001; TOPMed 0.00002.
gnomAD v4.1: 5 of 1,614,066 alleles (0.00031%); highest among the groups gnomAD compares: Admixed American, 0.0067%; no homozygotes.

Submission:

Labcorp Genetics (formerly Invitae), Labcorp
Classification: Uncertain significance. Last evaluated: 2021-09-17. Review status: criteria provided, single submitter. Criteria: Invitae Variant Classification Sherloc (09022015). Collection method: clinical testing. Allele origin: germline.
Comment: This sequence change falls in intron 11 of the ADAMTS10 gene. It does not directly change the encoded amino acid sequence of the ADAMTS10 protein. This variant is not present in population databases (ExAC no frequency). This variant has not been reported in the literature in individuals affected with ADAMTS10-related conditions. Algorithms developed to predict the effect of sequence changes on RNA splicing suggest that this variant may disrupt the consensus splice site. In summary, the available evidence is currently insufficient to determine the role of this variant in disease. Therefore, it has been classified as a Variant of Uncertain Significance.

NM_030957.4(ADAMTS10):c.1338-10C>G

Gene: ADAMTS10 (ADAM metallopeptidase with thrombospondin type 1 motif 10; minus strand). Cytogenetic location: 19p13.2.
Variant type: single nucleotide variant.
Coding change: c.1338-10C>G on transcript NM_030957.4 (MANE Select); 10 bases into the intron before coding-DNA position 1338, C replaced by G.
Molecular consequence: intron variant.
Genome position (GRCh38, 1-based): chr19:8,595,913, G>C on the plus strand (C>G on the coding strand, the complement: ADAMTS10 is on the minus strand). VCF-style: chr19-8595913-G-C. GRCh37 (hg19) VCF-style: chr19-8660797-G-C.
Identifiers: ClinVar variation 1450421 (VCV001450421.3), dbSNP rs1321147332, ClinGen allele CA631705340.
Genomic context (GRCh38, chr19:8,595,913, plus strand): 5'-ACAAAGTCCTGTCTGGGGGGCCGGTTGTTCAGGCAGAGCCCCAGGCCCGAGCTGCCTCGA[G>C]AGAAAAGCAACTGTCATGCTAGGTGGCTGCAAATCAAGAGCTCAGGAGCCTCAGCTGGAT-3'